The following is an entry in ClinVar:

ClinVar aggregate classification (germline): Likely pathogenic. Review status: criteria provided, multiple submitters, no conflicts (2 of 4 stars). 3 submissions from 3 submitters: Likely pathogenic (3). Last evaluated 2024-12-30.

Conditions:
Nephrotic syndrome, type 4 (NPHS4). Also called: Familial mesangial sclerosis; Nephrotic syndrome, early onset with diffuse mesangial sclerosis. Identifiers: Orphanet 656, MedGen C3151568, MONDO:0009733, OMIM 256370.
Frasier syndrome. Identifiers: Orphanet 347, MedGen C0950122, MeSH D052159, MONDO:0007635, OMIM 136680.
Mesothelioma, malignant (MESOM). Also called: Malignant mesothelioma (disease). Identifiers: Orphanet 50251, MedGen C0345967, MONDO:0006292, OMIM 156240, HP:0100001.
Wilms tumor 1 (WT1). Also called: Wilms tumor, somatic. Identifiers: Orphanet 654, MedGen CN033288, MONDO:0008679, OMIM 194070.
Drash syndrome (DDS). Also called: NEPHROPATHY, WILMS TUMOR, AND GENITAL ANOMALIES; WILMS TUMOR AND PSEUDO- OR TRUE HERMAPHRODITISM. Identifiers: Orphanet 220, MedGen C0950121, MONDO:0008682, OMIM 194080.
Meacham syndrome. Also called: Meacham Winn Culler syndrome. Identifiers: Orphanet 3097, MedGen C1837026, MONDO:0012164, OMIM 608978.
WT1-related disorder. Also called: WT1-related disorders. Identifiers: MedGen CN377814.
11p partial monosomy syndrome (WAGR). Also called: WAGR syndrome; WAGR Spectrum Disorder; CHROMOSOME 11p13 DELETION SYNDROME; WAGR Complex. Identifiers: Orphanet 893, MedGen C0206115, MONDO:0008681, OMIM 194072.

Submissions (3):

Labcorp Genetics (formerly Invitae), Labcorp
Classification: Likely pathogenic for Wilms tumor 1; Drash syndrome; 11p partial monosomy syndrome; Frasier syndrome. Last evaluated: 2024-12-30. Review status: criteria provided, single submitter. Criteria: Invitae Variant Classification Sherloc (09022015). Collection method: clinical testing. Allele origin: germline.
Comment: This sequence change replaces arginine, which is basic and polar, with tryptophan, which is neutral and slightly polar, at codon 495 of the WT1 protein (p.Arg495Trp). This variant is not present in population databases (gnomAD no frequency). This variant has not been reported in the literature in individuals affected with WT1-related conditions. ClinVar contains an entry for this variant (Variation ID: 2505271). Invitae Evidence Modeling of protein sequence and biophysical properties (such as structural, functional, and spatial information, amino acid conservation, physicochemical variation, residue mobility, and thermodynamic stability) indicates that this missense variant is expected to disrupt WT1 protein function with a positive predictive value of 95%. This variant disrupts the p.Arg495 amino acid residue in WT1. Other variant(s) that disrupt this residue have been determined to be pathogenic (PMID: 32493750; internal data). This suggests that this residue is clinically significant, and that variants that disrupt this residue are likely to be disease-causing. In summary, the currently available evidence indicates that the variant is pathogenic, but additional data are needed to prove that conclusively. Therefore, this variant has been classified as Likely Pathogenic.

Fulgent Genetics
Classification: Likely pathogenic for Frasier syndrome; Mesothelioma, malignant; Wilms tumor 1; Drash syndrome; Nephrotic syndrome, type 4; Meacham syndrome. Last evaluated: 2024-04-13. Review status: criteria provided, single submitter. Criteria: ACMG Guidelines, 2015. Collection method: clinical testing. Allele origin: germline.

Greenwood Genetic Center Diagnostic Laboratories, Greenwood Genetic Center
Classification: Likely pathogenic for WT1-related disorder. Last evaluated: 2023-02-07. Review status: criteria provided, single submitter. Criteria: ACMG Guidelines, 2015. Collection method: clinical testing. Allele origin: germline. Affected: yes.
Comment: PM2, PM5, PM6, PP3

Literature cited by the submitters: PubMed 32493750 (cited by Labcorp Genetics (formerly Invitae), Labcorp).

NM_024426.6(WT1):c.1498C>T (p.Arg500Trp)

Gene: WT1 (WT1 transcription factor; minus strand). Cytogenetic location: 11p13.
Variant type: single nucleotide variant.
Coding change: c.1498C>T on transcript NM_024426.6 (MANE Select); coding-DNA position 1498, C replaced by T.
Protein change: p.Arg500Trp; replaces arginine 500 with tryptophan.
Molecular consequence: missense variant. On other transcripts: non-coding transcript variant (2).
Genome position (GRCh38, 1-based): chr11:32,389,129, G>A on the plus strand (C>T on the coding strand, the complement: WT1 is on the minus strand). VCF-style: chr11-32389129-G-A. GRCh37 (hg19) VCF-style: chr11-32410675-G-A.
Other names: c.1438C>T, p.Arg480Trp (NM_000378.6); c.838C>T, p.Arg280Trp (NM_001198551.2); c.796C>T, p.Arg266Trp (NM_001198552.2); c.310C>T, p.Arg104Trp (NM_001367854.1); c.1483C>T, p.Arg495Trp (NM_001407044.1); c.1447C>T, p.Arg483Trp (NM_001407045.1); c.1405C>T, p.Arg469Trp (NM_001407046.1); c.1366C>T, p.Arg456Trp (NM_001407047.1); and 6 more; short protein forms R104W, R246W, R266W, R280W, R442W, R452W, R453W, R456W.
Identifiers: ClinVar variation 2505271 (VCV002505271.4), dbSNP rs2132898935, ClinGen allele CA379957656.